The following is an entry in ClinVar:

NC_000007.14:g.128837160del

Gene: FLNC (filamin C; plus strand). Cytogenetic location: 7q32.1.
Variant type: Deletion.
Genome position: GRCh38 VCF-style: chr7-128837158-AG-A. GRCh37 (hg19) VCF-style: chr7-128477212-AG-A.
Identifiers: ClinVar variation 2950508 (VCV002950508.3), dbSNP rs2536617471, ClinGen allele CA2740097533.

ClinVar aggregate classification (germline): Pathogenic (1 of 4 stars; one submission).

Conditions:
Myofibrillar myopathy 5. Also called: Filaminopathy (type); FILAMINOPATHY, AUTOSOMAL DOMINANT. Identifiers: Orphanet 171445, MedGen C1836050, MONDO:0012289, OMIM 609524.
Distal myopathy with posterior leg and anterior hand involvement. Also called: WILLIAMS DISTAL MYOPATHY. Identifiers: Orphanet 63273, MedGen C3279722, MONDO:0013550, OMIM 614065.
Hypertrophic cardiomyopathy 26. Also called: Cardiomyopathy, familial hypertrophic, 26. Identifiers: Orphanet 75249, MedGen C4310749, MONDO:0014883, OMIM 617047.

Submission:

Labcorp Genetics (formerly Invitae), Labcorp
Classification: Pathogenic for Distal myopathy with posterior leg and anterior hand involvement; Myofibrillar myopathy 5; Hypertrophic cardiomyopathy 26. Last evaluated: 2023-07-31. Review status: criteria provided, single submitter. Criteria: Invitae Variant Classification Sherloc (09022015). Collection method: clinical testing. Allele origin: germline.
Comment: For these reasons, this variant has been classified as Pathogenic. This sequence change creates a premature translational stop signal (p.Gly201Valfs*51) in the FLNC gene. It is expected to result in an absent or disrupted protein product. Loss-of-function variants in FLNC are known to be pathogenic (PMID: 27908349). This variant is not present in population databases (gnomAD no frequency). This variant has not been reported in the literature in individuals affected with FLNC-related conditions. Algorithms developed to predict the effect of sequence changes on RNA splicing suggest that this variant may disrupt the consensus splice site.

Literature cited by the submitters: PubMed 27908349.